The following is an entry in ClinVar:

NM_003924.4(PHOX2B):c.287G>T (p.Arg96Leu)

Gene: PHOX2B (paired like homeobox 2B; minus strand). Cytogenetic location: 4p13.
Variant type: single nucleotide variant.
Coding change: c.287G>T on transcript NM_003924.4 (MANE Select); coding-DNA position 287, G replaced by T.
Protein change: p.Arg96Leu; replaces arginine 96 with leucine.
Molecular consequence: missense variant.
Genome position (GRCh38, 1-based): chr4:41,747,491, C>A on the plus strand (G>T on the coding strand, the complement: PHOX2B is on the minus strand). VCF-style: chr4-41747491-C-A. GRCh37 (hg19) VCF-style: chr4-41749508-C-A.
Other names: short protein forms R96L.
Identifiers: ClinVar variation 3223584 (VCV003223584.1), dbSNP rs1289168625, ClinGen allele CA356740440.
Genomic context (GRCh38, chr4:41,747,491, plus strand): 5'-ACCCTTTCCAGCTCTTTGAGCTGGGCACTGGTGAAAGTGGTGCGGATGCGCCGCTGCTTG[C>A]GCTTCTCGTTGAGGCCGCCGTGGTCCGTGAAGAGTTTGTAAGGAACTAGAGTATGACAGA-3'
Protein context (NP_003915.2, residues 86-106): FTDHGGLNEK[Arg96Leu]KQRRIRTTFT

ClinVar aggregate classification (germline): Uncertain significance (1 of 4 stars; one submission).

Conditions:
Hereditary cancer-predisposing syndrome. Also called: Tumor predisposition; Hereditary neoplastic syndrome; Hereditary Cancer Syndrome; Neoplastic Syndromes, Hereditary. Identifiers: Orphanet 140162, MedGen C0027672, MeSH D009386, MONDO:0015356.

Submission:

Ambry Genetics
Classification: Uncertain significance for Hereditary cancer-predisposing syndrome. Last evaluated: 2024-01-11. Review status: criteria provided, single submitter. Criteria: Ambry Variant Classification Scheme 2023. Collection method: clinical testing. Allele origin: germline.
Comment: The p.R96L variant (also known as c.287G>T), located in coding exon 2 of the PHOX2B gene, results from a G to T substitution at nucleotide position 287. The arginine at codon 96 is replaced by leucine, an amino acid with dissimilar properties. This amino acid position is conserved. In addition, this alteration is predicted to be deleterious by in silico analysis. Since supporting evidence is limited at this time, the clinical significance of this alteration remains unclear.